The following is an entry in ClinVar:

ClinVar aggregate classification (germline): Conflicting classifications of pathogenicity. Review status: criteria provided, conflicting classifications (1 of 4 stars). 10 submissions from 10 submitters: Uncertain significance (2); Benign (1); Likely benign (5). 2 of the submissions do not count toward it. Last evaluated 2026-02-03.

Conditions:
ZNF469-related disorder. Also called: ZNF469-related condition.
Cardiovascular phenotype. Identifiers: MedGen CN230736.
Keratoconus 1 (KTCN1). Identifiers: MedGen C1835677, MONDO:0007851, OMIM 148300.
Brittle cornea syndrome 1 (BCS1). Also called: FRAGILITAS OCULI WITH JOINT HYPEREXTENSIBILITY; DYSGENESIS MESODERMALIS CORNEAE ET SCLERAE; Corneal fragility keratoglobus, blue sclerae AND joint hypermobility; CORNEAL FRAGILITY, KERATOGLOBUS, BLUE SCLERAE, JOINT HYPEREXTENSIBILITY; EDS6B. Identifiers: Orphanet 90354, MedGen C0268344, MONDO:0024543, OMIM 229200.

Allele frequency attached by ClinVar (database versions not stated): TOPMed 0.00019; 1000 Genomes Project 0.00020; ExAC 0.00024; 1000 Genomes Project 30x 0.00062; gnomAD 0.00088 and 0.00093; gnomAD exomes 0.00090.
gnomAD v4.1: 889 of 1,548,864 alleles (0.057%); highest among the groups gnomAD compares: South Asian, 0.042%; 4 homozygotes.

Submissions (10):

Women's Health and Genetics/Laboratory Corporation of America, LabCorp
Classification: Uncertain significance. Last evaluated: 2026-02-03. Review status: criteria provided, single submitter. Criteria: LabCorp Variant Classification Summary - May 2015. Collection method: clinical testing. Allele origin: germline.
Comment: Variant summary: ZNF469 c.2699C>T (p.Pro900Leu) results in a non-conservative amino acid change in the encoded protein sequence. Algorithms developed to predict the effect of missense changes on protein structure and function are either unavailable or do not agree on the potential impact of this missense change. The variant allele was found at a frequency of 0.0009 in 146020 control chromosomes. This frequency is not significantly higher than estimated for disease-causing variants in ZNF469, allowing no conclusion about variant significance. c.2699C>T has been observed in an individual affected with Keratoconus (Lechner_2014). These report(s) do not provide unequivocal conclusions about association of the variant with Brittle cornea syndrome 1. To our knowledge, no experimental evidence demonstrating an impact on protein function has been reported. The following publication has been ascertained in the context of this evaluation (PMID: 24895405). ClinVar contains an entry for this variant (Variation ID: 126922). Based on the evidence outlined above, the variant was classified as uncertain significance.

Labcorp Genetics (formerly Invitae), Labcorp
Classification: Benign. Last evaluated: 2026-01-11. Review status: criteria provided, single submitter. Criteria: Invitae Variant Classification Sherloc (09022015). Collection method: clinical testing. Allele origin: germline.

CeGaT Center for Human Genetics Tuebingen
Classification: Likely benign. Last evaluated: 2025-06-01. Review status: criteria provided, single submitter. Criteria: CeGaT Center For Human Genetics Tuebingen Variant Classification Criteria Version 2. Collection method: clinical testing. Allele origin: germline. Affected: yes. Observed: 5 variant alleles.
Comment: ZNF469: BP4, BS2

Mayo Clinic Laboratories, Mayo Clinic
Classification: Likely benign. Last evaluated: 2025-05-26. Review status: criteria provided, single submitter. Criteria: ACMG Guidelines, 2015. Collection method: clinical testing. Allele origin: germline. Observed: 1 variant allele.
Comment: BS1

Blueprint Genetics
Classification: Likely benign. Last evaluated: 2024-11-21. Review status: criteria provided, single submitter. Criteria: ACMG Guidelines, 2015. Collection method: clinical testing. Allele origin: germline.

GeneDx
Classification: Likely benign. Last evaluated: 2023-09-22. Review status: criteria provided, single submitter. Criteria: GeneDx Variant Classification Process June 2021. Collection method: clinical testing. Allele origin: germline. Affected: yes.
Comment: See Variant Classification Assertion Criteria.

Ambry Genetics
Classification: Likely benign for Cardiovascular phenotype. Last evaluated: 2021-11-24. Review status: criteria provided, single submitter. Criteria: Ambry Variant Classification Scheme 2023. Collection method: clinical testing. Allele origin: germline.

Department of Pathology and Laboratory Medicine, Sinai Health System
Classification: Uncertain significance for Brittle cornea syndrome 1. Last evaluated: 2021-09-01. Review status: criteria provided, single submitter. Criteria: ACMG Guidelines, 2015. Collection method: research. Allele origin: germline.

PreventionGenetics, part of Exact Sciences
Classification: Likely benign for ZNF469-related condition. Last evaluated: 2019-12-06. Review status: no assertion criteria provided. Collection method: clinical testing. Allele origin: germline. Not counted in ClinVar's aggregate classification.
Comment: This variant is classified as likely benign based on ACMG/AMP sequence variant interpretation guidelines (Richards et al. 2015 PMID: 25741868, with internal and published modifications).

Willoughby Group, Queen's University Belfast
Classification: Pathogenic for Keratoconus 1. Review status: no assertion criteria provided. Collection method: not provided. Allele origin: germline. Not counted in ClinVar's aggregate classification.
ClinVar note: Converted during submission from pathogenic to Pathogenic.

Literature cited by the submitters: PubMed 24895405 (cited by 3 submitters).

NM_001367624.2(ZNF469):c.2699C>T (p.Pro900Leu)

Gene: ZNF469 (zinc finger protein 469; plus strand). Cytogenetic location: 16q24.2.
Variant type: single nucleotide variant.
Coding change: c.2699C>T on transcript NM_001367624.2 (MANE Select); coding-DNA position 2699, C replaced by T.
Protein change: p.Pro900Leu; replaces proline 900 with leucine.
Molecular consequence: missense variant.
Genome position (GRCh38, 1-based): chr16:88,430,169, C>T. VCF-style: chr16-88430169-C-T. GRCh37 (hg19) VCF-style: chr16-88496577-C-T.
Other names: NM_001127464.1:c.2699C>T; NM_001127464.2:c.2699C>T; p.Pro900Leu; short protein forms P900L.
Identifiers: ClinVar variation 126922 (VCV000126922.64), dbSNP rs273585618, ClinGen allele CA151283.